The following is an entry in ClinVar:

NM_203395.3(IYD):c.381G>A (p.Pro127=)

Gene: IYD (iodotyrosine deiodinase; plus strand). Cytogenetic location: 6q25.1.
Variant type: single nucleotide variant.
Coding change: c.381G>A on transcript NM_203395.3 (MANE Select); coding-DNA position 381, G replaced by A.
Protein change: p.Pro127=; no amino-acid change (proline 127 retained).
Molecular consequence: synonymous variant. On other transcripts: non-coding transcript variant (1).
Genome position (GRCh38, 1-based): chr6:150,392,355, G>A. VCF-style: chr6-150392355-G-A. GRCh37 (hg19) VCF-style: chr6-150713491-G-A.
Other names: c.381G>A, p.Pro127= (NM_001164694.2, NM_001164695.2); c.135G>A, p.Pro45= (NM_001318495.2); c.381G>A (NM_001164694.1).
Identifiers: ClinVar variation 774868 (VCV000774868.29), dbSNP rs151181823, ClinGen allele CA4047011.
Genomic context (GRCh38, chr6:150,392,355, plus strand): 5'-TCACACTTTCCTGCAGTTTTAATTTCTGATTTTAATGGAATGGGTGACAGGAACAGCCCC[G>A]AGTGGGGCTCACACAGAGCCCTGGACCTTCGTGGTTGTGAAGGACCCAGACGTGAAGCAC-3'
Protein context (NP_981932.1, residues 117-137): DNVIRTAGTA[Pro127=]SGAHTEPWTF

ClinVar aggregate classification (germline): Likely benign. Review status: criteria provided, multiple submitters, no conflicts (2 of 4 stars). 4 submissions from 4 submitters: Likely benign (4). Last evaluated 2026-09-08.

Conditions:
IYD-related disorder. Also called: IYD-related condition.

Allele frequency attached by ClinVar (database versions not stated): ExAC 0.00037; TOPMed 0.00041; ESP Exome Variant Server 0.00046; gnomAD 0.00050 and 0.00053.
gnomAD v4.1: 1,035 of 1,613,358 alleles (0.064%); highest among the groups gnomAD compares: Non-Finnish European, 0.082%; 1 homozygote.

Submissions (4):

PreventionGenetics, part of Exact Sciences
Classification: Likely benign for IYD-related condition. Last evaluated: 2026-09-08. Review status: criteria provided, single submitter. Criteria: ACMG Guidelines, 2015. Collection method: clinical testing. Allele origin: germline.
Comment: This variant is classified as likely benign based on ACMG/AMP sequence variant interpretation guidelines (Richards et al. 2015 PMID: 25741868, with internal and published modifications).

CeGaT Center for Human Genetics Tuebingen
Classification: Likely benign. Last evaluated: 2026-04-01. Review status: criteria provided, single submitter. Criteria: CeGaT Center For Human Genetics Tuebingen Variant Classification Criteria Version 2. Collection method: clinical testing. Allele origin: germline. Affected: yes. Observed: 2 variant alleles.
Comment: IYD: BP4, BP7

Labcorp Genetics (formerly Invitae), Labcorp
Classification: Likely benign. Last evaluated: 2018-11-15. Review status: criteria provided, single submitter. Criteria: Invitae Variant Classification Sherloc (09022015). Collection method: clinical testing. Allele origin: germline.

Breakthrough Genomics
Classification: Likely benign. Review status: criteria provided, single submitter. Criteria: ACMG Guidelines, 2015. Collection method: not provided. Allele origin: germline. Inheritance: Autosomal recessive inheritance. Affected: yes.